The following is an entry in ClinVar:

NM_001034853.2(RPGR):c.1505T>C (p.Met502Thr)

Gene: RPGR (retinitis pigmentosa GTPase regulator; minus strand). Cytogenetic location: Xp11.4.
Variant type: single nucleotide variant.
Coding change: c.1505T>C on transcript NM_001034853.2 (MANE Select); coding-DNA position 1505, T replaced by C.
Protein change: p.Met502Thr; replaces methionine 502 with threonine.
Molecular consequence: missense variant. On other transcripts: non-coding transcript variant (5).
Genome position (GRCh38, 1-based): chrX:38,291,394, A>G on the plus strand (T>C on the coding strand, the complement: RPGR is on the minus strand). VCF-style: chrX-38291394-A-G. GRCh37 (hg19) VCF-style: chrX-38150647-A-G.
Other names: c.1535T>C, p.Met512Thr (NM_001367248.1); c.1502T>C, p.Met501Thr (NM_001367249.1, NM_001367250.1, NM_001367245.1); c.1319T>C, p.Met440Thr (NM_001367251.1, NM_001367246.1); c.1505T>C, p.Met502Thr (NM_000328.3, NM_001367247.1); short protein forms M501T, M512T, M440T, M502T.
Identifiers: ClinVar variation 2853919 (VCV002853919.3), dbSNP rs2519808301, ClinGen allele CA412737721.

ClinVar aggregate classification (germline): Uncertain significance (1 of 4 stars; one submission).

Conditions:
Primary ciliary dyskinesia. Also called: Ciliary dyskinesia. Identifiers: Orphanet 244, MedGen C0008780, MONDO:0016575, HP:0012265.

Submission:

Labcorp Genetics (formerly Invitae), Labcorp
Classification: Uncertain significance for Primary ciliary dyskinesia. Last evaluated: 2023-04-09. Review status: criteria provided, single submitter. Criteria: Invitae Variant Classification Sherloc (09022015). Collection method: clinical testing. Allele origin: germline.
Comment: In summary, the available evidence is currently insufficient to determine the role of this variant in disease. Therefore, it has been classified as a Variant of Uncertain Significance. An algorithm developed to predict the effect of missense changes on protein structure and function (PolyPhen-2) suggests that this variant is likely to be disruptive. This variant has not been reported in the literature in individuals affected with RPGR-related conditions. This variant is not present in population databases (gnomAD no frequency). This sequence change replaces methionine, which is neutral and non-polar, with threonine, which is neutral and polar, at codon 502 of the RPGR protein (p.Met502Thr).